The following is an entry in ClinVar:

NM_001367561.1(DOCK7):c.5950C>A (p.His1984Asn)

Gene: DOCK7 (dedicator of cytokinesis 7; minus strand). Cytogenetic location: 1p31.3.
Variant type: single nucleotide variant.
Coding change: c.5950C>A on transcript NM_001367561.1 (MANE Select); coding-DNA position 5950, C replaced by A.
Protein change: p.His1984Asn; replaces histidine 1984 with asparagine.
Molecular consequence: missense variant.
Genome position (GRCh38, 1-based): chr1:62,475,718, G>T on the plus strand (C>A on the coding strand, the complement: DOCK7 is on the minus strand). VCF-style: chr1-62475718-G-T. GRCh37 (hg19) VCF-style: chr1-62941389-G-T.
Other names: c.5917C>A, p.His1973Asn (NM_001271999.2); c.5830C>A, p.His1944Asn (NM_001272000.2); c.5824C>A, p.His1942Asn (NM_001272001.2); c.5923C>A, p.His1975Asn (NM_001330614.2); c.5857C>A, p.His1953Asn (NM_033407.4); short protein forms H1942N, H1944N, H1975N, H1984N, H1973N, H1953N.
Identifiers: ClinVar variation 933877 (VCV000933877.9), dbSNP rs767729109, ClinGen allele CA885335.

ClinVar aggregate classification (germline): Uncertain significance. Review status: criteria provided, multiple submitters, no conflicts (2 of 4 stars). 2 submissions from 2 submitters: Uncertain significance (2). Last evaluated 2025-08-07.

Conditions:
Developmental and epileptic encephalopathy, 23 (DEE23). Also called: Epileptic encephalopathy, early infantile, 23. Identifiers: Orphanet 411986, MedGen C4014492, MONDO:0014371, OMIM 615859.

Allele frequency attached by ClinVar (database versions not stated): gnomAD exomes below 0.00001; ExAC 0.00001; gnomAD 0.00002; TOPMed 0.00003.
gnomAD v4.1: 4 of 1,613,566 alleles (0.00025%); highest among the groups gnomAD compares: African/African-American, 0.0053%; no homozygotes.

Submissions (2):

GeneDx
Classification: Uncertain significance. Last evaluated: 2025-08-07. Review status: criteria provided, single submitter. Criteria: GeneDx Variant Classification Process June 2021. Collection method: clinical testing. Allele origin: germline. Affected: yes.
Comment: Not observed at significant frequency in large population cohorts (gnomAD); In silico analysis supports that this missense variant has a deleterious effect on protein structure/function; Has not been previously published as pathogenic or benign to our knowledge

Labcorp Genetics (formerly Invitae), Labcorp
Classification: Uncertain significance for Developmental and epileptic encephalopathy, 23. Last evaluated: 2022-04-15. Review status: criteria provided, single submitter. Criteria: Invitae Variant Classification Sherloc (09022015). Collection method: clinical testing. Allele origin: germline.
Comment: Algorithms developed to predict the effect of missense changes on protein structure and function (SIFT, PolyPhen-2, Align-GVGD) all suggest that this variant is likely to be tolerated. In summary, the available evidence is currently insufficient to determine the role of this variant in disease. Therefore, it has been classified as a Variant of Uncertain Significance. This sequence change replaces histidine, which is basic and polar, with asparagine, which is neutral and polar, at codon 1973 of the DOCK7 protein (p.His1973Asn). This variant is present in population databases (rs767729109, gnomAD 0.008%). This variant has not been reported in the literature in individuals affected with DOCK7-related conditions. ClinVar contains an entry for this variant (Variation ID: 933877).